The following is an entry in ClinVar:

ClinVar aggregate classification (germline): Benign. Review status: criteria provided, multiple submitters, no conflicts (2 of 4 stars). 3 submissions from 3 submitters: Benign (2). 1 of the submissions does not count toward it. Last evaluated 2026-01-23.

Conditions:
MYO18B-related disorder. Also called: MYO18B-related condition.

Allele frequency attached by ClinVar (database versions not stated): gnomAD exomes 0.00049 and 0.00238; ExAC 0.00301; 1000 Genomes Project 0.00060; 1000 Genomes Project 30x 0.00078; gnomAD 0.00086; TOPMed 0.00152.

Submissions (3):

Labcorp Genetics (formerly Invitae), Labcorp
Classification: Benign. Last evaluated: 2026-01-23. Review status: criteria provided, single submitter. Criteria: Invitae Variant Classification Sherloc (09022015). Collection method: clinical testing. Allele origin: germline.

Breakthrough Genomics
Classification: Benign. Review status: criteria provided, single submitter. Criteria: ACMG Guidelines, 2015. Collection method: not provided. Allele origin: germline. Inheritance: Autosomal recessive inheritance. Affected: yes.

PreventionGenetics, part of Exact Sciences
Classification: Likely benign for MYO18B-related condition. Last evaluated: 2019-02-28. Review status: no assertion criteria provided. Collection method: clinical testing. Allele origin: germline. Not counted in ClinVar's aggregate classification.
Comment: This variant is classified as likely benign based on ACMG/AMP sequence variant interpretation guidelines (Richards et al. 2015 PMID: 25741868, with internal and published modifications).

NM_032608.7(MYO18B):c.5180G>A (p.Arg1727Gln)

Gene: MYO18B (myosin XVIIIB; plus strand). Cytogenetic location: 22q12.1.
Variant type: single nucleotide variant.
Coding change: c.5180G>A on transcript NM_032608.7 (MANE Select); coding-DNA position 5180, G replaced by A.
Protein change: p.Arg1727Gln; replaces arginine 1727 with glutamine.
Molecular consequence: missense variant.
Genome position (GRCh38, 1-based): chr22:25,908,353, G>A. VCF-style: chr22-25908353-G-A. GRCh37 (hg19) VCF-style: chr22-26304320-G-A.
Other names: c.5183G>A, p.Arg1728Gln (NM_001318245.2); short protein forms R1727Q, R1728Q.
Identifiers: ClinVar variation 779210 (VCV000779210.13), dbSNP rs201899118, ClinGen allele CA10161093.